The following is an entry in ClinVar:

ClinVar aggregate classification (germline): Uncertain significance (1 of 4 stars; one submission).

Submission:

Labcorp Genetics (formerly Invitae), Labcorp
Classification: Uncertain significance. Last evaluated: 2024-11-26. Review status: criteria provided, single submitter. Criteria: Invitae Variant Classification Sherloc (09022015). Collection method: clinical testing. Allele origin: germline.
Comment: This sequence change replaces glutamine, which is neutral and polar, with glutamic acid, which is acidic and polar, at codon 751 of the ZNF469 protein (p.Gln751Glu). This variant is not present in population databases (gnomAD no frequency). This variant has not been reported in the literature in individuals affected with ZNF469-related conditions. An algorithm developed to predict the effect of missense changes on protein structure and function (PolyPhen-2) suggests that this variant is likely to be disruptive. In summary, the available evidence is currently insufficient to determine the role of this variant in disease. Therefore, it has been classified as a Variant of Uncertain Significance.

NM_001367624.2(ZNF469):c.2251C>G (p.Gln751Glu)

Gene: ZNF469 (zinc finger protein 469; plus strand). Cytogenetic location: 16q24.2.
Variant type: single nucleotide variant.
Coding change: c.2251C>G on transcript NM_001367624.2 (MANE Select); coding-DNA position 2251, C replaced by G.
Protein change: p.Gln751Glu; replaces glutamine 751 with glutamic acid.
Molecular consequence: missense variant.
Genome position (GRCh38, 1-based): chr16:88,429,721, C>G. VCF-style: chr16-88429721-C-G. GRCh37 (hg19) VCF-style: chr16-88496129-C-G.
Other names: short protein forms Q751E.
Identifiers: ClinVar variation 3659676 (VCV003659676.2).